The following is an entry in ClinVar:

ClinVar aggregate classification (germline): Likely benign (1 of 4 stars; one submission).

Conditions:
AHR-related disorder. Also called: AHR-related condition.

gnomAD v4.1: 188 of 1,611,526 alleles (0.012%); highest among the groups gnomAD compares: Middle Eastern, 0.05%; 2 homozygotes.

Submission:

PreventionGenetics, part of Exact Sciences
Classification: Likely benign for AHR-related condition. Last evaluated: 2026-02-02. Review status: criteria provided, single submitter. Criteria: ACMG Guidelines, 2015. Collection method: clinical testing. Allele origin: germline.
Comment: This variant is classified as likely benign based on ACMG/AMP sequence variant interpretation guidelines (Richards et al. 2015 PMID: 25741868, with internal and published modifications).

NM_001621.5(AHR):c.-4C>A

Gene: AHR (aryl hydrocarbon receptor; plus strand). Cytogenetic location: 7p21.1.
Variant type: single nucleotide variant.
Coding change: c.-4C>A on transcript NM_001621.5 (MANE Select); 4 bases upstream of the start codon, C replaced by A.
Molecular consequence: 5 prime UTR variant.
Genome position (GRCh38, 1-based): chr7:17,299,261, C>A. VCF-style: chr7-17299261-C-A. GRCh37 (hg19) VCF-style: chr7-17338885-C-A.
Identifiers: ClinVar variation 4986329 (VCV004986329.1).